The following is an entry in ClinVar:

NM_182961.4(SYNE1):c.13300G>A (p.Val4434Met)

Gene: SYNE1 (spectrin repeat containing nuclear envelope protein 1; minus strand). Cytogenetic location: 6q25.2.
Variant type: single nucleotide variant.
Coding change: c.13300G>A on transcript NM_182961.4 (MANE Select); coding-DNA position 13300, G replaced by A.
Protein change: p.Val4434Met; replaces valine 4434 with methionine.
Molecular consequence: missense variant.
Genome position (GRCh38, 1-based): chr6:152,331,385, C>T on the plus strand (G>A on the coding strand, the complement: SYNE1 is on the minus strand). VCF-style: chr6-152331385-C-T. GRCh37 (hg19) VCF-style: chr6-152652520-C-T.
Other names: p.Val4363Met; c.13087G>A, p.Val4363Met (NM_033071.5); short protein forms V4363M, V4434M.
Identifiers: ClinVar variation 1253729 (VCV001253729.6), dbSNP rs141609675, ClinGen allele CA4056201.

ClinVar aggregate classification (germline): Uncertain significance. Review status: criteria provided, multiple submitters, no conflicts (2 of 4 stars). 3 submissions from 3 submitters: Uncertain significance (3). Last evaluated 2023-12-12.

Allele frequency attached by ClinVar (database versions not stated): gnomAD exomes 0.00001 and 0.00006; ExAC 0.00009; gnomAD 0.00013 and 0.00014; TOPMed 0.00013; ESP Exome Variant Server 0.00031.
gnomAD v4.1: 37 of 1,614,180 alleles (0.0023%); highest among the groups gnomAD compares: African/African-American, 0.029%; no homozygotes.

Submissions (3):

Mayo Clinic Laboratories, Mayo Clinic
Classification: Uncertain significance. Last evaluated: 2023-12-12. Review status: criteria provided, single submitter. Criteria: ACMG Guidelines, 2015. Collection method: clinical testing. Allele origin: germline. Observed: 3 variant alleles.
Comment: BP4

Revvity Omics, Revvity
Classification: Uncertain significance. Last evaluated: 2021-09-02. Review status: criteria provided, single submitter. Criteria: ACMG Guidelines, 2015. Collection method: clinical testing. Allele origin: germline.

GeneDx
Classification: Uncertain significance. Last evaluated: 2021-07-12. Review status: criteria provided, single submitter. Criteria: GeneDx Variant Classification Process June 2021. Collection method: clinical testing. Allele origin: germline. Affected: yes.
Comment: In silico analysis supports that this missense variant does not alter protein structure/function; Has not been previously published as pathogenic or benign to our knowledge; This variant is associated with the following publications: (PMID: 27535533)